The following is an entry in ClinVar:

ClinVar aggregate classification (germline): Likely benign (0 of 4 stars; one submission).

Conditions:
PRRG4-related disorder. Also called: PRRG4-related condition.

Allele frequency attached by ClinVar (database versions not stated): gnomAD exomes 0.00045; ExAC 0.00118; 1000 Genomes Project 30x 0.00219; ESP Exome Variant Server 0.00254; 1000 Genomes Project 0.00260; gnomAD 0.00332; TOPMed 0.00372.
gnomAD v4.1: 1,199 of 1,612,840 alleles (0.074%); highest among the groups gnomAD compares: African/African-American, 1.2%; 9 homozygotes.

Submission:

PreventionGenetics, part of Exact Sciences
Classification: Likely benign for PRRG4-related condition. Last evaluated: 2021-02-04. Review status: no assertion criteria provided. Collection method: clinical testing. Allele origin: germline.
Comment: This variant is classified as likely benign based on ACMG/AMP sequence variant interpretation guidelines (Richards et al. 2015 PMID: 25741868, with internal and published modifications).

NM_024081.6(PRRG4):c.452C>A (p.Ser151Tyr)

Gene: PRRG4 (proline rich and Gla domain 4; plus strand). Cytogenetic location: 11p13.
Variant type: single nucleotide variant.
Coding change: c.452C>A on transcript NM_024081.6 (MANE Select); coding-DNA position 452, C replaced by A.
Protein change: p.Ser151Tyr; replaces serine 151 with tyrosine.
Molecular consequence: missense variant.
Genome position (GRCh38, 1-based): chr11:32,853,298, C>A. VCF-style: chr11-32853298-C-A. GRCh37 (hg19) VCF-style: chr11-32874844-C-A.
Other names: short protein forms S151Y.
Identifiers: ClinVar variation 3040547 (VCV003040547.2), dbSNP rs148253975, ClinGen allele CA5935918.